The following is an entry in ClinVar:

ClinVar aggregate classification (germline): Uncertain significance (1 of 4 stars; one submission).

Conditions:
MEHMO syndrome (MEHMO). Also called: MENTAL RETARDATION, X-LINKED, SYNDROMIC 20; MENTAL RETARDATION, X-LINKED, SYNDROMIC 25; Mental retardation, X-linked, syndromic, Borck type. Identifiers: Orphanet 85282, MedGen C1846278, MONDO:0010258, OMIM 300148.

Submission:

3billion
Classification: Uncertain significance for MEHMO syndrome. Last evaluated: 2023-06-12. Review status: criteria provided, single submitter. Criteria: ACMG Guidelines, 2015. Collection method: clinical testing. Allele origin: germline. Affected: yes.
Comment: The variant is not observed in the gnomAD v2.1.1 dataset. Predicted Consequence/Location: Missense changes are a common disease-causing mechanism. Therefore, this variant is classified as VUS according to the recommendation of ACMG/AMP guideline.

NM_001415.4(EIF2S3):c.1304C>T (p.Thr435Ile)

Gene: EIF2S3 (eukaryotic translation initiation factor 2 subunit gamma; plus strand). Cytogenetic location: Xp22.11.
Variant type: single nucleotide variant.
Coding change: c.1304C>T on transcript NM_001415.4 (MANE Select); coding-DNA position 1304, C replaced by T.
Protein change: p.Thr435Ile; replaces threonine 435 with isoleucine.
Molecular consequence: missense variant.
Genome position (GRCh38, 1-based): chrX:24,073,212, C>T. VCF-style: chrX-24073212-C-T. GRCh37 (hg19) VCF-style: chrX-24091329-C-T.
Other names: short protein forms T435I.
Identifiers: ClinVar variation 3775442 (VCV003775442.1).